The following is an entry in ClinVar:

ClinVar aggregate classification (germline): Likely benign (0 of 4 stars; one submission).

Conditions:
CLPTM1-related disorder. Also called: CLPTM1-related condition.

Allele frequency attached by ClinVar (database versions not stated): gnomAD exomes 0.00011; gnomAD 0.00021; ExAC 0.00039; 1000 Genomes Project 30x 0.00109; 1000 Genomes Project 0.00140.
gnomAD v4.1: 193 of 1,613,920 alleles (0.012%); highest among the groups gnomAD compares: East Asian, 0.39%; 1 homozygote.

Submission:

PreventionGenetics, part of Exact Sciences
Classification: Likely benign for CLPTM1-related condition. Last evaluated: 2019-08-27. Review status: no assertion criteria provided. Collection method: clinical testing. Allele origin: germline.
Comment: This variant is classified as likely benign based on ACMG/AMP sequence variant interpretation guidelines (Richards et al. 2015 PMID: 25741868, with internal and published modifications).

NM_001294.4(CLPTM1):c.1000T>C (p.Leu334=)

Gene: CLPTM1 (CLPTM1 regulator of GABA type A receptor forward trafficking; plus strand). Cytogenetic location: 19q13.32.
Variant type: single nucleotide variant.
Coding change: c.1000T>C on transcript NM_001294.4 (MANE Select); coding-DNA position 1000, T replaced by C.
Protein change: p.Leu334=; no amino-acid change (leucine 334 retained).
Molecular consequence: synonymous variant.
Genome position (GRCh38, 1-based): chr19:44,987,385, T>C. VCF-style: chr19-44987385-T-C. GRCh37 (hg19) VCF-style: chr19-45490643-T-C.
Other names: c.958T>C, p.Leu320= (NM_001282175.2); c.694T>C, p.Leu232= (NM_001282176.2).
Identifiers: ClinVar variation 3053464 (VCV003053464.2), dbSNP rs143527825, ClinGen allele CA9506992.